The following is an entry in ClinVar:

ClinVar aggregate classification (germline): Uncertain significance (1 of 4 stars; one submission).

Allele frequency attached by ClinVar (database versions not stated): gnomAD 0.00018 and 0.00016; gnomAD exomes 0.00019 and 0.00016; TOPMed 0.00019; ExAC 0.00026; ESP Exome Variant Server 0.00008.
gnomAD v4.1: 300 of 1,600,530 alleles (0.019%); highest among the groups gnomAD compares: Non-Finnish European, 0.025%; 1 homozygote.

Submission:

Labcorp Genetics (formerly Invitae), Labcorp
Classification: Uncertain significance. Last evaluated: 2024-08-13. Review status: criteria provided, single submitter. Criteria: Invitae Variant Classification Sherloc (09022015). Collection method: clinical testing. Allele origin: germline.
Comment: This sequence change falls in intron 14 of the CHUK gene. It does not directly change the encoded amino acid sequence of the CHUK protein. It affects a nucleotide within the consensus splice site. This variant is present in population databases (rs371653189, gnomAD 0.04%). This variant has not been reported in the literature in individuals affected with CHUK-related conditions. ClinVar contains an entry for this variant (Variation ID: 1365350). Variants that disrupt the consensus splice site are a relatively common cause of aberrant splicing (PMID: 17576681, 9536098). Algorithms developed to predict the effect of sequence changes on RNA splicing suggest that this variant is not likely to affect RNA splicing. In summary, the available evidence is currently insufficient to determine the role of this variant in disease. Therefore, it has been classified as a Variant of Uncertain Significance.

Literature cited by the submitters: PubMed 17576681; PubMed 9536098.

NM_001278.5(CHUK):c.1569+6A>C

Gene: CHUK (component of inhibitor of nuclear factor kappa B kinase complex; minus strand). Cytogenetic location: 10q24.31.
Variant type: single nucleotide variant.
Coding change: c.1569+6A>C on transcript NM_001278.5 (MANE Select); 6 bases into the intron after coding-DNA position 1569, A replaced by C.
Molecular consequence: intron variant.
Genome position (GRCh38, 1-based): chr10:100,202,082, T>G on the plus strand (A>C on the coding strand, the complement: CHUK is on the minus strand). VCF-style: chr10-100202082-T-G. GRCh37 (hg19) VCF-style: chr10-101961839-T-G.
Other names: c.1569+6A>C (NM_001320928.2).
Identifiers: ClinVar variation 1365350 (VCV001365350.4), dbSNP rs371653189, ClinGen allele CA5646424.